The following is an entry in ClinVar:

NM_002862.4(PYGB):c.2418C>T (p.Ile806=)

Genes: ABHD12 (abhydrolase domain containing 12, lysophospholipase; minus strand), PYGB (glycogen phosphorylase B; plus strand). Cytogenetic location: 20p11.21.
Variant type: single nucleotide variant.
Coding change: c.2418C>T on transcript NM_002862.4 (MANE Select); coding-DNA position 2418, C replaced by T.
Protein change: p.Ile806=; no amino-acid change (isoleucine 806 retained).
Molecular consequence: synonymous variant. On other transcripts: intron variant (1).
Genome position (GRCh38, 1-based): chr20:25,296,408, C>T. VCF-style: chr20-25296408-C-T. GRCh37 (hg19) VCF-style: chr20-25277044-C-T.
Other names: c.1158-1378G>A (NM_015600.5).
Identifiers: ClinVar variation 4533623 (VCV004533623.6).

ClinVar aggregate classification (germline): Likely benign (1 of 4 stars; one submission).

gnomAD v4.1: 236 of 1,614,076 alleles (0.015%); highest among the groups gnomAD compares: South Asian, 0.19%; no homozygotes.

Submission:

CeGaT Center for Human Genetics Tuebingen
Classification: Likely benign. Last evaluated: 2025-10-01. Review status: criteria provided, single submitter. Criteria: CeGaT Center For Human Genetics Tuebingen Variant Classification Criteria Version 2. Collection method: clinical testing. Allele origin: germline. Affected: yes. Observed: 1 variant allele.
Comment: PYGB: BP4, BP7